The following is an entry in ClinVar:

NM_000051.4(ATM):c.100A>T (p.Ile34Phe)

Gene: ATM (ATM serine/threonine kinase; plus strand). Cytogenetic location: 11q22.3.
Variant type: single nucleotide variant.
Coding change: c.100A>T on transcript NM_000051.4 (MANE Select); coding-DNA position 100, A replaced by T.
Protein change: p.Ile34Phe; replaces isoleucine 34 with phenylalanine.
Molecular consequence: missense variant.
Genome position (GRCh38, 1-based): chr11:108,227,803, A>T. VCF-style: chr11-108227803-A-T. GRCh37 (hg19) VCF-style: chr11-108098530-A-T.
Other names: c.100A>T, p.Ile34Phe (NM_001351834.2, NM_001351835.2, NM_001351836.2); short protein forms I34F.
Identifiers: ClinVar variation 633060 (VCV000633060.1), dbSNP rs1555054094, ClinGen allele CA382519700.
Genomic context (GRCh38, chr11:108,227,803, plus strand): 5'-AGTAACCCATTATTATTTCCTTTTTATTTTCAGAAAGAAGTTGAGAAATTTAAGCGCCTG[A>T]TTCGAGATCCTGAAACAATTAAACATCTAGATCGGCATTCAGATTCCAAACAAGGAAAAT-3'
Protein context (NP_000042.3, residues 24-44): KKEVEKFKRL[Ile34Phe]RDPETIKHLD

ClinVar aggregate classification (germline): Uncertain significance (1 of 4 stars; one submission).

Submission:

Women's Health and Genetics/Laboratory Corporation of America, LabCorp
Classification: Uncertain significance. Last evaluated: 2018-10-08. Review status: criteria provided, single submitter. Criteria: LabCorp Variant Classification Summary - May 2015. Collection method: clinical testing. Allele origin: germline.
Comment: Variant summary: ATM c.100A>T (p.Ile34Phe) results in a non-conservative amino acid change located in the Telomere-length maintenance and DNA damage repair domain of the encoded protein sequence. Four of five in-silico tools predict a damaging effect of the variant on protein function. The variant was absent in 277070 control chromosomes. The available data on variant occurrences in the general population are insufficient to allow any conclusion about variant significance. To our knowledge, no occurrence of c.100A>T in individuals affected with Ataxia-Telangiectasia and no experimental evidence demonstrating its impact on protein function have been reported. No clinical diagnostic laboratories have submitted clinical-significance assessments for this variant to ClinVar after 2014. Based on the evidence outlined above, the variant was classified as uncertain significance.